The following is an entry in ClinVar:

NM_177972.3(TUB):c.1388-7G>A

Genes: RIC3 (RIC3 acetylcholine receptor chaperone; minus strand), TUB (TUB bipartite transcription factor; plus strand). Cytogenetic location: 11p15.4.
Variant type: single nucleotide variant.
Coding change: c.1388-7G>A on transcript NM_177972.3 (MANE Select); 7 bases into the intron before coding-DNA position 1388, G replaced by A.
Molecular consequence: intron variant.
Genome position (GRCh38, 1-based): chr11:8,101,479, G>A. VCF-style: chr11-8101479-G-A. GRCh37 (hg19) VCF-style: chr11-8123026-G-A.
Other names: c.1406-7G>A (NM_001440538.1); c.1405+482G>A (NM_001440539.1); c.1238-7G>A (NM_001440540.1); c.1237+482G>A (NM_001440542.1); c.1553-7G>A (NM_003320.5); c.1220-7G>A (NM_001440541.1).
Identifiers: ClinVar variation 4977599 (VCV004977599.1).
Genomic context (GRCh38, chr11:8,101,479, plus strand): 5'-TATCCTTCCCTGGCTCTACCATTCCTGTCCTGTCCTTTTCTCTGTCTGTGCCTGTGCTTG[G>A]CCCCAGCGGACTACATCGTGATGCAGTTTGGCCGGGTAGCAGAGGATGTGTTCACCATGG-3'

ClinVar aggregate classification (germline): Likely benign (1 of 4 stars; one submission).

Conditions:
TUB-related disorder. Also called: TUB-related condition.

gnomAD v4.1: 11 of 1,614,090 alleles (0.00068%); highest among the groups gnomAD compares: Non-Finnish European, 0.00093%; no homozygotes.

Submission:

PreventionGenetics, part of Exact Sciences
Classification: Likely benign for TUB-related condition. Last evaluated: 2025-12-30. Review status: criteria provided, single submitter. Criteria: ACMG Guidelines, 2015. Collection method: clinical testing. Allele origin: germline.
Comment: This variant is classified as likely benign based on ACMG/AMP sequence variant interpretation guidelines (Richards et al. 2015 PMID: 25741868, with internal and published modifications).